The following is an entry in ClinVar:

NM_030665.4(RAI1):c.2085T>C (p.Ala695=)

Gene: RAI1 (retinoic acid induced 1; plus strand). Cytogenetic location: 17p11.2.
Variant type: single nucleotide variant.
Coding change: c.2085T>C on transcript NM_030665.4 (MANE Select); coding-DNA position 2085, T replaced by C.
Protein change: p.Ala695=; no amino-acid change (alanine 695 retained).
Molecular consequence: synonymous variant.
Genome position (GRCh38, 1-based): chr17:17,795,033, T>C. VCF-style: chr17-17795033-T-C. GRCh37 (hg19) VCF-style: chr17-17698347-T-C.
Identifiers: ClinVar variation 1221218 (VCV001221218.36), dbSNP rs200335835, ClinGen allele CA8418458.

ClinVar aggregate classification (germline): Benign/Likely benign. Review status: criteria provided, multiple submitters, no conflicts (2 of 4 stars). 4 submissions from 4 submitters: Benign (2); Likely benign (2). Last evaluated 2025-12-30.

Allele frequency attached by ClinVar (database versions not stated): gnomAD 0.00007 and 0.00015; gnomAD exomes 0.00013 and 0.00043; TOPMed 0.00019; ExAC 0.00045; 1000 Genomes Project 30x 0.00109; 1000 Genomes Project 0.00120.
gnomAD v4.1: 204 of 1,614,150 alleles (0.013%); highest among the groups gnomAD compares: East Asian, 0.38%; 1 homozygote.

Submissions (4):

Labcorp Genetics (formerly Invitae), Labcorp
Classification: Benign. Last evaluated: 2025-12-30. Review status: criteria provided, single submitter. Criteria: Invitae Variant Classification Sherloc (09022015). Collection method: clinical testing. Allele origin: germline.

Blueprint Genetics
Classification: Likely benign. Last evaluated: 2024-11-18. Review status: criteria provided, single submitter. Criteria: ACMG Guidelines, 2015. Collection method: clinical testing. Allele origin: germline.

CeGaT Center for Human Genetics Tuebingen
Classification: Likely benign. Last evaluated: 2023-05-01. Review status: criteria provided, single submitter. Criteria: CeGaT Center For Human Genetics Tuebingen Variant Classification Criteria Version 2. Collection method: clinical testing. Allele origin: germline. Affected: yes. Observed: 1 variant allele.
Comment: RAI1: BP4, BP7

GeneDx
Classification: Benign. Last evaluated: 2019-12-19. Review status: criteria provided, single submitter. Criteria: GeneDx Variant Classification Process June 2021. Collection method: clinical testing. Allele origin: germline. Affected: yes.